The following is an entry in ClinVar:

NM_022437.3(ABCG8):c.1070A>G (p.Asp357Gly)

Gene: ABCG8 (ATP binding cassette subfamily G member 8; plus strand). Cytogenetic location: 2p21.
Variant type: single nucleotide variant.
Coding change: c.1070A>G on transcript NM_022437.3 (MANE Select); coding-DNA position 1070, A replaced by G.
Protein change: p.Asp357Gly; replaces aspartic acid 357 with glycine.
Molecular consequence: missense variant.
Genome position (GRCh38, 1-based): chr2:43,872,081, A>G. VCF-style: chr2-43872081-A-G. GRCh37 (hg19) VCF-style: chr2-44099220-A-G.
Other names: c.1070A>G, p.Asp357Gly (NM_001357321.2); c.1070A>G (NM_022437.2); short protein forms D357G.
Identifiers: ClinVar variation 594874 (VCV000594874.7), dbSNP rs1232951681, ClinGen allele CA346668917.

ClinVar aggregate classification (germline): Uncertain significance. Review status: criteria provided, multiple submitters, no conflicts (2 of 4 stars). 2 submissions from 2 submitters: Uncertain significance (2). Last evaluated 2022-11-19.

Conditions:
Cardiovascular phenotype. Identifiers: MedGen CN230736.

Allele frequency attached by ClinVar (database versions not stated): TOPMed 0.00002.
gnomAD v4.1: 2 of 1,614,004 alleles (0.00012%); highest among the groups gnomAD compares: African/African-American, 0.0027%; no homozygotes.

Submissions (2):

Ambry Genetics
Classification: Uncertain significance for Cardiovascular phenotype. Last evaluated: 2022-11-19. Review status: criteria provided, single submitter. Criteria: Ambry Variant Classification Scheme 2023. Collection method: clinical testing. Allele origin: germline.
Comment: The p.D357G variant (also known as c.1070A>G), located in coding exon 7 of the ABCG8 gene, results from an A to G substitution at nucleotide position 1070. The aspartic acid at codon 357 is replaced by glycine, an amino acid with similar properties. This amino acid position is conserved. In addition, this alteration is predicted to be tolerated by in silico analysis. Since supporting evidence is limited at this time, the clinical significance of this alteration remains unclear.

Eurofins Ntd Llc (ga)
Classification: Uncertain significance. Last evaluated: 2017-11-06. Review status: criteria provided, single submitter. Criteria: EGL Classification Definitions 2015. Collection method: clinical testing. Allele origin: germline. Observed: 1 variant allele, 1 heterozygote.